The following is an entry in ClinVar:

NM_002618.4(PEX13):c.846T>G (p.Asp282Glu)

Gene: PEX13 (peroxisomal biogenesis factor 13; plus strand). Cytogenetic location: 2p15.
Variant type: single nucleotide variant.
Coding change: c.846T>G on transcript NM_002618.4 (MANE Select); coding-DNA position 846, T replaced by G.
Protein change: p.Asp282Glu; replaces aspartic acid 282 with glutamic acid.
Molecular consequence: missense variant.
Genome position (GRCh38, 1-based): chr2:61,045,784, T>G. VCF-style: chr2-61045784-T-G. GRCh37 (hg19) VCF-style: chr2-61272919-T-G.
Other names: c.846T>G (NM_002618.3); short protein forms D282E.
Identifiers: ClinVar variation 2174098 (VCV002174098.3), dbSNP rs756314199, ClinGen allele CA1673364.

ClinVar aggregate classification (germline): Uncertain significance. Review status: criteria provided, multiple submitters, no conflicts (2 of 4 stars). 3 submissions from 3 submitters: Uncertain significance (3). Last evaluated 2025-04-16.

Conditions:
Peroxisome biogenesis disorder 11A (Zellweger). Also called: Peroxisome biogenesis disorder 11A. Identifiers: Orphanet 912, MedGen C3554000, MONDO:0013949, OMIM 614883.
Inborn genetic diseases. Identifiers: MedGen C0950123, MeSH D030342.

Allele frequency attached by ClinVar (database versions not stated): ExAC 0.00001; gnomAD 0.00001; gnomAD exomes 0.00002; TOPMed 0.00002.
gnomAD v4.1: 32 of 1,612,960 alleles (0.002%); highest among the groups gnomAD compares: Non-Finnish European, 0.0026%; no homozygotes.

Submissions (3):

Ambry Genetics
Classification: Uncertain significance for Inborn genetic diseases. Last evaluated: 2025-04-16. Review status: criteria provided, single submitter. Criteria: Ambry Variant Classification Scheme 2023. Collection method: clinical testing. Allele origin: germline.

Blueprint Genetics
Classification: Uncertain significance. Last evaluated: 2024-10-11. Review status: criteria provided, single submitter. Criteria: ACMG Guidelines, 2015. Collection method: clinical testing. Allele origin: germline.

Labcorp Genetics (formerly Invitae), Labcorp
Classification: Uncertain significance for Peroxisome biogenesis disorder 11A (Zellweger). Last evaluated: 2022-07-06. Review status: criteria provided, single submitter. Criteria: Invitae Variant Classification Sherloc (09022015). Collection method: clinical testing. Allele origin: germline.
Comment: This sequence change replaces aspartic acid, which is acidic and polar, with glutamic acid, which is acidic and polar, at codon 282 of the PEX13 protein (p.Asp282Glu). This variant is present in population databases (rs756314199, gnomAD 0.003%). This variant has not been reported in the literature in individuals affected with PEX13-related conditions. Algorithms developed to predict the effect of missense changes on protein structure and function are either unavailable or do not agree on the potential impact of this missense change (SIFT: "Tolerated"; PolyPhen-2: "Probably Damaging"; Align-GVGD: "Class C0"). In summary, the available evidence is currently insufficient to determine the role of this variant in disease. Therefore, it has been classified as a Variant of Uncertain Significance.